The following is an entry in ClinVar:

ClinVar aggregate classification (germline): Uncertain significance (1 of 4 stars; one submission).

Conditions:
Hereditary cancer-predisposing syndrome. Also called: Tumor predisposition; Neoplastic Syndromes, Hereditary; Hereditary Cancer Syndrome; Hereditary neoplastic syndrome. Identifiers: Orphanet 140162, MedGen C0027672, MeSH D009386, MONDO:0015356.

gnomAD v4.1: 2 of 1,613,434 alleles (0.00012%); highest among the groups gnomAD compares: African/African-American, 0.0013%; no homozygotes.

Submission:

Ambry Genetics
Classification: Uncertain significance for Hereditary cancer-predisposing syndrome. Last evaluated: 2024-12-09. Review status: criteria provided, single submitter. Criteria: Ambry Variant Classification Scheme 2023. Collection method: clinical testing. Allele origin: germline.
Comment: The p.N164D variant (also known as c.490A>G), located in coding exon 5 of the FANCC gene, results from an A to G substitution at nucleotide position 490. The asparagine at codon 164 is replaced by aspartic acid, an amino acid with highly similar properties. This amino acid position is conserved. In addition, this alteration is predicted to be tolerated by in silico analysis. Based on the available evidence, the clinical significance of this variant remains unclear.

NM_000136.3(FANCC):c.490A>G (p.Asn164Asp)

Gene: FANCC (FA complementation group C; minus strand). Cytogenetic location: 9q22.32.
Variant type: single nucleotide variant.
Coding change: c.490A>G on transcript NM_000136.3 (MANE Select); coding-DNA position 490, A replaced by G.
Protein change: p.Asn164Asp; replaces asparagine 164 with aspartic acid.
Molecular consequence: missense variant.
Genome position (GRCh38, 1-based): chr9:95,171,110, T>C on the plus strand (A>G on the coding strand, the complement: FANCC is on the minus strand). VCF-style: chr9-95171110-T-C. GRCh37 (hg19) VCF-style: chr9-97933392-T-C.
Other names: c.490A>G, p.Asn164Asp (NM_001243743.2, NM_001243744.2); short protein forms N164D.
Identifiers: ClinVar variation 3512814 (VCV003512814.1).